The following is an entry in ClinVar:

NM_020964.3(EPG5):c.1910G>T (p.Arg637Met)

Gene: EPG5 (ectopic P-granules 5 autophagy tethering factor; minus strand). Cytogenetic location: 18q21.1.
Variant type: single nucleotide variant.
Coding change: c.1910G>T on transcript NM_020964.3 (MANE Select); coding-DNA position 1910, G replaced by T.
Protein change: p.Arg637Met; replaces arginine 637 with methionine.
Molecular consequence: missense variant.
Genome position (GRCh38, 1-based): chr18:45,943,194, C>A on the plus strand (G>T on the coding strand, the complement: EPG5 is on the minus strand). VCF-style: chr18-45943194-C-A. GRCh37 (hg19) VCF-style: chr18-43523160-C-A.
Other names: c.1910G>T, p.Arg637Met (NM_001410858.1, NM_001410859.1); short protein forms R637M.
Identifiers: ClinVar variation 2012341 (VCV002012341.4), dbSNP rs773395403, ClinGen allele CA8949577.

ClinVar aggregate classification (germline): Uncertain significance (1 of 4 stars; one submission).

Conditions:
Vici syndrome (VICIS). Identifiers: Orphanet 1493, MedGen C1855772, MONDO:0009452, OMIM 242840.

Allele frequency attached by ClinVar (database versions not stated): ExAC 0.00001.
gnomAD v4.1: 1 of 1,614,150 alleles (0.000062%); no homozygotes.

Submission:

Labcorp Genetics (formerly Invitae), Labcorp
Classification: Uncertain significance for Vici syndrome. Last evaluated: 2022-06-29. Review status: criteria provided, single submitter. Criteria: Invitae Variant Classification Sherloc (09022015). Collection method: clinical testing. Allele origin: germline.
Comment: This variant has not been reported in the literature in individuals affected with EPG5-related conditions. This variant is present in population databases (rs773395403, gnomAD 0.0009%). This sequence change replaces arginine, which is basic and polar, with methionine, which is neutral and non-polar, at codon 637 of the EPG5 protein (p.Arg637Met). Algorithms developed to predict the effect of missense changes on protein structure and function are either unavailable or do not agree on the potential impact of this missense change (SIFT: "Deleterious"; PolyPhen-2: "Probably Damaging"; Align-GVGD: "Class C0"). In summary, the available evidence is currently insufficient to determine the role of this variant in disease. Therefore, it has been classified as a Variant of Uncertain Significance.